The following is an entry in ClinVar:

NM_006912.6(RIT1):c.113C>T (p.Thr38Ile)

Gene: RIT1 (Ras like without CAAX 1; minus strand). Cytogenetic location: 1q22.
Variant type: single nucleotide variant.
Coding change: c.113C>T on transcript NM_006912.6 (MANE Select); coding-DNA position 113, C replaced by T.
Protein change: p.Thr38Ile; replaces threonine 38 with isoleucine.
Molecular consequence: missense variant.
Genome position (GRCh38, 1-based): chr1:155,910,500, G>A on the plus strand (C>T on the coding strand, the complement: RIT1 is on the minus strand). VCF-style: chr1-155910500-G-A. GRCh37 (hg19) VCF-style: chr1-155880291-G-A.
Other names: c.5C>T, p.Thr2Ile (NM_001256820.2); c.164C>T, p.Thr55Ile (NM_001256821.2); short protein forms T2I, T38I, T55I.
Identifiers: ClinVar variation 1730784 (VCV001730784.2), dbSNP rs2102590960, ClinGen allele CA342776096.
Genomic context (GRCh38, chr1:155,910,500, plus strand): 5'-TCTGGCTTACCAATGGTGGGATCATGATCTTCTGGGAATCGGTGGCTGATGAACTGCATG[G>A]TCATGGCTTCAAAAGAAGAAATAAAAGTCAAATCCTCACAAAGGTGACCCACAGAGAGAA-3'
Protein context (NP_008843.1, residues 28-48): GAGGVGKSAM[Thr38Ile]MQFISHRFPE

ClinVar aggregate classification (germline): Uncertain significance (1 of 4 stars; one submission).

Conditions:
Cardiovascular phenotype. Identifiers: MedGen CN230736.

Submission:

Ambry Genetics
Classification: Uncertain significance for Cardiovascular phenotype. Last evaluated: 2022-05-30. Review status: criteria provided, single submitter. Criteria: Ambry Variant Classification Scheme 2023. Collection method: clinical testing. Allele origin: germline.
Comment: The p.T38I variant (also known as c.113C>T), located in coding exon 2 of the RIT1 gene, results from a C to T substitution at nucleotide position 113. The threonine at codon 38 is replaced by isoleucine, an amino acid with similar properties. This amino acid position is conserved. In addition, the in silico prediction for this alteration is inconclusive. Since supporting evidence is limited at this time, the clinical significance of this alteration remains unclear.